The following is an entry in ClinVar:

ClinVar aggregate classification (germline): Likely benign (1 of 4 stars; one submission).

Conditions:
PCNT-related disorder. Also called: PCNT-related condition.

Submission:

PreventionGenetics, part of Exact Sciences
Classification: Likely benign for PCNT-related condition. Last evaluated: 2026-09-23. Review status: criteria provided, single submitter. Criteria: ACMG Guidelines, 2015. Collection method: clinical testing. Allele origin: germline.
Comment: This variant is classified as likely benign based on ACMG/AMP sequence variant interpretation guidelines (Richards et al. 2015 PMID: 25741868, with internal and published modifications).

NM_006031.6(PCNT):c.5995-10del

Gene: PCNT (pericentrin; plus strand). Cytogenetic location: 21q22.3.
Variant type: Deletion.
Coding change: c.5995-10del on transcript NM_006031.6 (MANE Select); 10 bases into the intron before coding-DNA position 5995, one base deleted (C; older notation c.5995-10delC).
Molecular consequence: intron variant.
Genome position (GRCh38, 1-based): chr21:46,412,827, C deleted; the last of 2 consecutive C bases (chr21:46,412,826-46,412,827); deleting either gives the same sequence. VCF-style (leftmost placement, unchanged base first): chr21-46412825-TC-T. GRCh37 (hg19) VCF-style: chr21-47832739-TC-T.
Other names: c.5641-10del (NM_001315529.2).
Identifiers: ClinVar variation 4980287 (VCV004980287.1).